The following is an entry in ClinVar:

ClinVar aggregate classification (germline): Uncertain significance. Review status: criteria provided, multiple submitters, no conflicts (2 of 4 stars). 2 submissions from 2 submitters: Uncertain significance (2). Last evaluated 2025-07-12.

Conditions:
Hereditary cancer-predisposing syndrome. Also called: Tumor predisposition; Neoplastic Syndromes, Hereditary; Hereditary Cancer Syndrome; Hereditary neoplastic syndrome. Identifiers: Orphanet 140162, MedGen C0027672, MeSH D009386, MONDO:0015356.
Ataxia-telangiectasia syndrome (AT). Also called: ATAXIA-TELANGIECTASIA, COMPLEMENTATION GROUP A; ATAXIA-TELANGIECTASIA, FRESNO VARIANT; Ataxia-telangiectasia; Ataxia-telangiectasia, complementation group D; AT, COMPLEMENTATION GROUP C; Ataxia-telangiectasia, complementation group E. Identifiers: Orphanet 100, MedGen C0004135, MONDO:0008840, OMIM 208900.

Submissions (2):

Ambry Genetics
Classification: Uncertain significance for Hereditary cancer-predisposing syndrome. Last evaluated: 2025-07-12. Review status: criteria provided, single submitter. Criteria: Ambry Variant Classification Scheme 2023. Collection method: clinical testing. Allele origin: germline.
Comment: The p.P2775L variant (also known as c.8324C>T), located in coding exon 56 of the ATM gene, results from a C to T substitution at nucleotide position 8324. The proline at codon 2775 is replaced by leucine, an amino acid with similar properties. This amino acid position is well conserved in available vertebrate species. In addition, this alteration is predicted to be deleterious by in silico analysis. Since supporting evidence is limited at this time, the clinical significance of this alteration remains unclear.

Labcorp Genetics (formerly Invitae), Labcorp
Classification: Uncertain significance for Ataxia-telangiectasia syndrome. Last evaluated: 2023-05-19. Review status: criteria provided, single submitter. Criteria: Invitae Variant Classification Sherloc (09022015). Collection method: clinical testing. Allele origin: germline.
Comment: This variant has not been reported in the literature in individuals affected with ATM-related conditions. In summary, the available evidence is currently insufficient to determine the role of this variant in disease. Therefore, it has been classified as a Variant of Uncertain Significance. An algorithm developed to predict the effect of missense changes on protein structure and function (PolyPhen-2) suggests that this variant is likely to be disruptive. ClinVar contains an entry for this variant (Variation ID: 822298). This variant is not present in population databases (gnomAD no frequency). This sequence change replaces proline, which is neutral and non-polar, with leucine, which is neutral and non-polar, at codon 2775 of the ATM protein (p.Pro2775Leu).

NM_000051.4(ATM):c.8324C>T (p.Pro2775Leu)

Genes: ATM (ATM serine/threonine kinase; plus strand), C11orf65 (chromosome 11 open reading frame 65; minus strand). Cytogenetic location: 11q22.3.
Variant type: single nucleotide variant.
Coding change: c.8324C>T on transcript NM_000051.4 (MANE Select); coding-DNA position 8324, C replaced by T.
Protein change: p.Pro2775Leu; replaces proline 2775 with leucine.
Molecular consequence: missense variant. On other transcripts: intron variant (2).
Genome position (GRCh38, 1-based): chr11:108,343,277, C>T. VCF-style: chr11-108343277-C-T. GRCh37 (hg19) VCF-style: chr11-108214004-C-T.
Other names: c.8324C>T, p.Pro2775Leu (NM_001351834.2); c.641-34206G>A (NM_001330368.2); c.695-7985G>A (NM_001351110.2); short protein forms P2775L.
Identifiers: ClinVar variation 822298 (VCV000822298.10), dbSNP rs1591248275, ClinGen allele CA382516401.